The following is an entry in ClinVar:

ClinVar aggregate classification (germline): Uncertain significance. Review status: criteria provided, multiple submitters, no conflicts (2 of 4 stars). 3 submissions from 3 submitters: Uncertain significance (3). Last evaluated 2025-10-20.

gnomAD v4.1: 2 of 1,210,025 alleles (0.00017%); highest among the groups gnomAD compares: Non-Finnish European, 0.00011%; no homozygotes.

Submissions (3):

Labcorp Genetics (formerly Invitae), Labcorp
Classification: Uncertain significance. Last evaluated: 2025-10-20. Review status: criteria provided, single submitter. Criteria: Invitae Variant Classification Sherloc (09022015). Collection method: clinical testing. Allele origin: germline.
Comment: This sequence change replaces glutamine, which is neutral and polar, with arginine, which is basic and polar, at codon 380 of the NONO protein (p.Gln380Arg). This variant is not present in population databases (gnomAD no frequency). This variant has not been reported in the literature in individuals affected with NONO-related conditions. ClinVar contains an entry for this variant (Variation ID: 3366675). Invitae Evidence Modeling of protein sequence and biophysical properties (such as structural, functional, and spatial information, amino acid conservation, physicochemical variation, residue mobility, and thermodynamic stability) indicates that this missense variant is not expected to disrupt NONO protein function with a negative predictive value of 80%. In summary, the available evidence is currently insufficient to determine the role of this variant in disease. Therefore, it has been classified as a Variant of Uncertain Significance.

Women's Health and Genetics/Laboratory Corporation of America, LabCorp
Classification: Uncertain significance. Last evaluated: 2024-08-21. Review status: criteria provided, single submitter. Criteria: LabCorp Variant Classification Summary - May 2015. Collection method: clinical testing. Allele origin: germline.
Comment: Variant summary: NONO c.1139A>G (p.Gln380Arg) results in a conservative amino acid change in the encoded protein sequence. Four of five in-silico tools predict a benign effect of the variant on protein function. The variant was absent in 183499 control chromosomes. The available data on variant occurrences in the general population are insufficient to allow any conclusion about variant significance. To our knowledge, no occurrence of c.1139A>G in individuals affected with Mental Retardation, X-Linked, Syndromic 34 and no experimental evidence demonstrating its impact on protein function have been reported. No submitters have cited clinical-significance assessments for this variant to ClinVar. Based on the evidence outlined above, the variant was classified as uncertain significance.

Blueprint Genetics
Classification: Uncertain significance. Last evaluated: 2022-02-17. Review status: criteria provided, single submitter. Criteria: ACMG Guidelines, 2015. Collection method: clinical testing. Allele origin: germline.

NM_007363.5(NONO):c.1139A>G (p.Gln380Arg)

Gene: NONO (non-POU domain containing octamer binding; plus strand). Cytogenetic location: Xq13.1.
Variant type: single nucleotide variant.
Coding change: c.1139A>G on transcript NM_007363.5 (MANE Select); coding-DNA position 1139, A replaced by G.
Protein change: p.Gln380Arg; replaces glutamine 380 with arginine.
Molecular consequence: missense variant.
Genome position (GRCh38, 1-based): chrX:71,298,476, A>G. VCF-style: chrX-71298476-A-G. GRCh37 (hg19) VCF-style: chrX-70518326-A-G.
Other names: c.1139A>G, p.Gln380Arg (NM_001145408.2, NM_001145409.2); c.872A>G, p.Gln291Arg (NM_001145410.2); short protein forms Q291R, Q380R.
Identifiers: ClinVar variation 3366675 (VCV003366675.3).